The following is an entry in ClinVar:

ClinVar aggregate classification (germline): Likely pathogenic (1 of 4 stars; one submission).

Conditions:
Bainbridge-Ropers syndrome. Also called: Severe feeding difficulties-failure to thrive-microcephaly due to ASXL3 deficiency syndrome. Identifiers: Orphanet 352577, MedGen C4750837, MONDO:0014205, OMIM 615485.

Submission:

Genetica Medica Lab, Tor Vergata University of Rome
Classification: Likely pathogenic for Bainbridge-Ropers syndrome. Review status: criteria provided, single submitter. Criteria: ACMG Guidelines, 2015. Collection method: clinical testing. Allele origin: de novo. Affected: yes. Observed: 1 variant allele.
Comment: The variant NM_030632.3:c.6207G>A, p.(Trp2069Ter) is located in exon 12 of ASXL3 gene and creates a premature termination codon(leading to the loss of less than 10% of the protein) in a gene where loss-of-function is a known mechanism of disease (PMID: 26647312, 28100473). This variant occurs de novo, it has not been reported in the literature and it is absent from population databases (e.g. gnomAD). According to ACMG guidelines, we classified this variant as likely pathogenic based on the following criteria: PVS1 supporting, PM2 supporting, PS2 strong.

Literature cited by the submitters: PubMed 26647312; PubMed 28100473.

NM_030632.3(ASXL3):c.6207G>A (p.Trp2069Ter)

Gene: ASXL3 (ASXL transcriptional regulator 3; plus strand). Cytogenetic location: 18q12.1.
Variant type: single nucleotide variant.
Coding change: c.6207G>A on transcript NM_030632.3 (MANE Select); coding-DNA position 6207, G replaced by A.
Protein change: p.Trp2069Ter; replaces tryptophan 2069 with a stop codon.
Molecular consequence: nonsense.
Genome position (GRCh38, 1-based): chr18:33,746,055, G>A. VCF-style: chr18-33746055-G-A. GRCh37 (hg19) VCF-style: chr18-31326019-G-A.
Other names: short protein forms W2069*.
Identifiers: ClinVar variation 4538500 (VCV004538500.1).